The following is an entry in ClinVar:

NM_002485.5(NBN):c.2185-3C>T

Gene: NBN (nibrin; minus strand). Cytogenetic location: 8q21.3.
Variant type: single nucleotide variant.
Coding change: c.2185-3C>T on transcript NM_002485.5 (MANE Select); 3 bases into the intron before coding-DNA position 2185, C replaced by T.
Molecular consequence: intron variant.
Genome position (GRCh38, 1-based): chr8:89,937,078, G>A on the plus strand (C>T on the coding strand, the complement: NBN is on the minus strand). VCF-style: chr8-89937078-G-A. GRCh37 (hg19) VCF-style: chr8-90949306-G-A.
Other names: c.1939-3C>T (NM_001024688.3).
Identifiers: ClinVar variation 1021919 (VCV001021919.7), dbSNP rs1809726732, ClinGen allele CA1801415431.
Genomic context (GRCh38, chr8:89,937,078, plus strand): 5'-AACTTTACCTAAAAAGATCATCAGCAAGAGACTCTTCTTTTGCATGTTGATTTTGTACCT[G>A]TCAAAATTAACATAATTTCAAACATTTGCTCAGTGGTGAATATATAGTTAATGAATTGCT-3'

ClinVar aggregate classification (germline): Uncertain significance. Review status: criteria provided, multiple submitters, no conflicts (2 of 4 stars). 2 submissions from 2 submitters: Uncertain significance (2). Last evaluated 2022-03-28.

Conditions:
Aplastic anemia. Identifiers: Orphanet 182040, Orphanet 88, MedGen C0002874, MONDO:0015909, OMIM 609135, HP:0001915.
Microcephaly, normal intelligence and immunodeficiency (NBS). Also called: BERLIN BREAKAGE SYNDROME; Immunodeficiency, microcephaly with normal intelligence; Nijmegen breakage syndrome; Microcephaly with normal intelligence immunodeficiency and lymphoreticular malignancies; Nonsyndromal microcephaly autosomal recessive with normal intelligence; Seemanova syndrome 2. Identifiers: Orphanet 647, MedGen C0398791, MONDO:0009623, OMIM 251260.

Allele frequency attached by ClinVar (database versions not stated): gnomAD exomes below 0.00001.
gnomAD v4.1: 1 of 1,611,248 alleles (0.000062%); highest among the groups gnomAD compares: Non-Finnish European, 0.000085%; no homozygotes.

Submissions (2):

Baylor Genetics
Classification: Uncertain significance for Aplastic anemia. Last evaluated: 2022-03-28. Review status: criteria provided, single submitter. Criteria: ACMG Guidelines, 2015. Collection method: clinical testing. Allele origin: unknown.

Labcorp Genetics (formerly Invitae), Labcorp
Classification: Uncertain significance for Microcephaly, normal intelligence and immunodeficiency. Last evaluated: 2021-06-12. Review status: criteria provided, single submitter. Criteria: Invitae Variant Classification Sherloc (09022015). Collection method: clinical testing. Allele origin: germline.
Comment: This variant is not present in population databases (ExAC no frequency). In summary, the available evidence is currently insufficient to determine the role of this variant in disease. Therefore, it has been classified as a Variant of Uncertain Significance. Nucleotide substitutions within the consensus splice site are a relatively common cause of aberrant splicing (PMID: 17576681, 9536098). Algorithms developed to predict the effect of sequence changes on RNA splicing suggest that this variant may disrupt the consensus splice site, but this prediction has not been confirmed by published transcriptional studies. This variant has not been reported in the literature in individuals with NBN-related conditions. This sequence change falls in intron 14 of the NBN gene. It does not directly change the encoded amino acid sequence of the NBN protein, but it affects a nucleotide within the consensus splice site of the intron.

Literature cited by the submitters: PubMed 17576681 (cited by Labcorp Genetics (formerly Invitae), Labcorp); PubMed 9536098 (cited by Labcorp Genetics (formerly Invitae), Labcorp).